The following is an entry in ClinVar:

ClinVar aggregate classification (germline): Likely benign. Review status: criteria provided, single submitter (1 of 4 stars). 2 submissions from 2 submitters: Likely benign (1). 1 of the submissions does not count toward it. Last evaluated 2026-06-01.

Conditions:
KDM6B-related disorder. Also called: KDM6B-related condition.

Submissions (2):

CeGaT Center for Human Genetics Tuebingen
Classification: Likely benign. Last evaluated: 2026-06-01. Review status: criteria provided, single submitter. Criteria: CeGaT Center For Human Genetics Tuebingen Variant Classification Criteria Version 2. Collection method: clinical testing. Allele origin: germline. Affected: yes. Observed: 3 variant alleles.
Comment: KDM6B: BS1

PreventionGenetics, part of Exact Sciences
Classification: Likely benign for KDM6B-related condition. Last evaluated: 2021-02-01. Review status: no assertion criteria provided. Collection method: clinical testing. Allele origin: germline. Not counted in ClinVar's aggregate classification.
Comment: This variant is classified as likely benign based on ACMG/AMP sequence variant interpretation guidelines (Richards et al. 2015 PMID: 25741868, with internal and published modifications).

NM_001348716.2(KDM6B):c.2253CAC[13] (p.Thr762_Ala763insThrThr)

Gene: KDM6B (lysine demethylase 6B; plus strand). Cytogenetic location: 17p13.1.
Variant type: Microsatellite.
Coding change: c.2253CAC[13] on transcript NM_001348716.2 (MANE Select); 13 copies in a row of the 3-base unit CAC starting at c.2253; the reference has 11 copies in a row; two copies, 6 bases duplicated.
Protein change: p.Thr762_Ala763insThrThr.
Genome position (GRCh38, 1-based): chr17:7,848,568-7,848,573, CACCAC duplicated; duplicating any 6 consecutive bases within chr17:7,848,541-7,848,573 gives the same sequence; the position shown is the placement nearest the transcript's 3' end. VCF-style (leftmost placement, unchanged base first): chr17-7848540-T-TCACCAC. GRCh37 (hg19) VCF-style: chr17-7751858-T-TCACCAC.
Other names: c.2253CAC[13], p.Thr762_Ala763insThrThr (NM_001080424.2).
Identifiers: ClinVar variation 3041708 (VCV003041708.6), dbSNP rs59627144, ClinGen allele CA8360849.
Genomic context (GRCh38, chr17:7,848,540, plus strand): 5'-CTCTGCAGTCTCCTTTCCCCACCGACACAGCCCCCACCACTACTGCTCCTGCTGTCGCCG[T>TCACCAC]CACCACCACCACCACCACCACCACCACCACCACGGCCACCCAGGAAGAGGAGAAGAAGCC-3'